The following is an entry in ClinVar:

ClinVar aggregate classification (germline): Uncertain significance (1 of 4 stars; one submission).

Conditions:
Hypertrophic cardiomyopathy. Also called: HYPERTROPHIC MYOCARDIOPATHY. Identifiers: Orphanet 217569, MedGen C0007194, MeSH D002312, MONDO:0005045, HP:0001639.

Submission:

Labcorp Genetics (formerly Invitae), Labcorp
Classification: Uncertain significance for Hypertrophic cardiomyopathy. Last evaluated: 2022-05-04. Review status: criteria provided, single submitter. Criteria: Invitae Variant Classification Sherloc (09022015). Collection method: clinical testing. Allele origin: germline.
Comment: In summary, the available evidence is currently insufficient to determine the role of this variant in disease. Therefore, it has been classified as a Variant of Uncertain Significance. Algorithms developed to predict the effect of missense changes on protein structure and function are either unavailable or do not agree on the potential impact of this missense change (SIFT: "Deleterious"; PolyPhen-2: "Probably Damaging"; Align-GVGD: "Class C0"). This variant has not been reported in the literature in individuals affected with MYH7-related conditions. This variant is not present in population databases (gnomAD no frequency). This sequence change replaces phenylalanine, which is neutral and non-polar, with serine, which is neutral and polar, at codon 38 of the MYH7 protein (p.Phe38Ser).

NM_000257.4(MYH7):c.113T>C (p.Phe38Ser)

Gene: MYH7 (myosin heavy chain 7; minus strand). Cytogenetic location: 14q11.2.
Variant type: single nucleotide variant.
Coding change: c.113T>C on transcript NM_000257.4 (MANE Select); coding-DNA position 113, T replaced by C.
Protein change: p.Phe38Ser; replaces phenylalanine 38 with serine.
Molecular consequence: missense variant.
Genome position (GRCh38, 1-based): chr14:23,433,620, A>G on the plus strand (T>C on the coding strand, the complement: MYH7 is on the minus strand). VCF-style: chr14-23433620-A-G. GRCh37 (hg19) VCF-style: chr14-23902829-A-G.
Other names: c.113T>C, p.Phe38Ser (NM_001407004.1); short protein forms F38S.
Identifiers: ClinVar variation 2133336 (VCV002133336.4), dbSNP rs2502322542, ClinGen allele CA389053866.